The following is an entry in ClinVar:

ClinVar aggregate classification (germline): Uncertain significance (1 of 4 stars; one submission).

gnomAD v4.1: 1 of 1,613,992 alleles (0.000062%); highest among the groups gnomAD compares: Admixed American, 0.0017%; no homozygotes.

Submission:

CeGaT Center for Human Genetics Tuebingen
Classification: Uncertain significance. Last evaluated: 2026-08-01. Review status: criteria provided, single submitter. Criteria: CeGaT Center For Human Genetics Tuebingen Variant Classification Criteria Version 2. Collection method: clinical testing. Allele origin: germline. Affected: yes. Observed: 1 variant allele.
Comment: CACNA1E: PM2

NM_001205293.3(CACNA1E):c.6133A>G (p.Asn2045Asp)

Gene: CACNA1E (calcium voltage-gated channel subunit alpha1 E; plus strand). Cytogenetic location: 1q25.3.
Variant type: single nucleotide variant.
Coding change: c.6133A>G on transcript NM_001205293.3 (MANE Select); coding-DNA position 6133, A replaced by G.
Protein change: p.Asn2045Asp; replaces asparagine 2045 with aspartic acid.
Molecular consequence: missense variant.
Genome position (GRCh38, 1-based): chr1:181,794,969, A>G. VCF-style: chr1-181794969-A-G. GRCh37 (hg19) VCF-style: chr1-181764105-A-G.
Other names: c.6004A>G, p.Asn2002Asp (NM_000721.4); c.5947A>G, p.Asn1983Asp (NM_001205294.2); short protein forms N1983D, N2002D, N2045D.
Identifiers: ClinVar variation 5040549 (VCV005040549.1).